The following is an entry in ClinVar:

ClinVar aggregate classification (germline): Pathogenic. Review status: reviewed by expert panel (3 of 4 stars). 10 submissions from 10 submitters: Pathogenic (1). 9 of the submissions do not count toward it. Last evaluated 2016-09-08.

Conditions:
Hereditary cancer-predisposing syndrome. Also called: Tumor predisposition; Neoplastic Syndromes, Hereditary; Hereditary Cancer Syndrome; Hereditary neoplastic syndrome. Identifiers: Orphanet 140162, MedGen C0027672, MeSH D009386, MONDO:0015356.
Hereditary breast ovarian cancer syndrome. Also called: Hereditary breast and ovarian cancer syndrome (HBOC); Hereditary breast and ovarian cancer syndrome; Hereditary breast and ovarian cancer; Hereditary breast and/or ovarian cancer syndrome; Breast and ovarian cancer; BRCA1- and BRCA2-Associated Hereditary Breast and Ovarian Cancer. Identifiers: Orphanet 145, MedGen C0677776, MeSH D061325, MONDO:0003582. Disease mechanism: loss of function.
Breast-ovarian cancer, familial, susceptibility to, 1 (BROVCA1). Also called: OVARIAN CANCER, SUSCEPTIBILITY TO; BRCA1 Hereditary Breast and Ovarian Cancer. Identifiers: Orphanet 145, MedGen C2676676, MONDO:0011450, OMIM 604370. Disease mechanism: loss of function.

Submissions (10):

Evidence-based Network for the Interpretation of Germline Mutant Alleles (ENIGMA)
Classification: Pathogenic for Breast-ovarian cancer, familial, susceptibility to, 1. Last evaluated: 2016-09-08. Review status: reviewed by expert panel. Criteria: ENIGMA BRCA1/2 Classification Criteria (2015). Collection method: curation. Allele origin: germline.
Comment: Variant allele predicted to encode a truncated non-functional protein.

Labcorp Genetics (formerly Invitae), Labcorp
Classification: Pathogenic for Hereditary breast ovarian cancer syndrome. Last evaluated: 2025-10-02. Review status: criteria provided, single submitter. Criteria: Invitae Variant Classification Sherloc (09022015). Collection method: clinical testing. Allele origin: germline. Not counted in ClinVar's aggregate classification.
Comment: This sequence change creates a premature translational stop signal (p.Glu720*) in the BRCA1 gene. It is expected to result in an absent or disrupted protein product. Loss-of-function variants in BRCA1 are known to be pathogenic (PMID: 20104584). This variant is not present in population databases (gnomAD no frequency). This premature translational stop signal has been observed in individual(s) with breast and/or ovarian cancer (PMID: 10686936, 25777348, 26187060, 29446198). ClinVar contains an entry for this variant (Variation ID: 37453). For these reasons, this variant has been classified as Pathogenic.

Department of Human Genetics, Hannover Medical School
Classification: Pathogenic for Breast-ovarian cancer, familial, susceptibility to, 1. Last evaluated: 2024-10-07. Review status: criteria provided, single submitter. Criteria: ACMG Guidelines, 2015. Collection method: clinical testing. Allele origin: germline. Affected: yes. Not counted in ClinVar's aggregate classification.

Ambry Genetics
Classification: Pathogenic for Hereditary cancer-predisposing syndrome. Last evaluated: 2024-08-06. Review status: criteria provided, single submitter. Criteria: Ambry Variant Classification Scheme 2023. Collection method: clinical testing. Allele origin: germline. Not counted in ClinVar's aggregate classification.
Comment: The p.E720* pathogenic mutation (also known as c.2158G>T), located in coding exon 9 of the BRCA1 gene, results from a G to T substitution at nucleotide position 2158. This changes the amino acid from a glutamic acid to a stop codon within coding exon 9. This mutation has been identified in multiple individuals with a personal and/or family history of breast and/or ovarian cancer (Tworek H et al. Cancer Genet. Cytogenet. 1999 Jul;112:105-18; Laitman Y et al. Breast Cancer Res. Treat. 2011 Jun;127:489-95; El Saghir NS et al. Oncologist. 2015 Apr;20:357-64). This variant is considered to be rare based on population cohorts in the Genome Aggregation Database (gnomAD). In addition to the clinical data presented in the literature, this alteration is expected to result in loss of function by premature protein truncation or nonsense-mediated mRNA decay. As such, this alteration is interpreted as a disease-causing mutation.

Color Diagnostics, LLC DBA Color Health
Classification: Pathogenic for Hereditary cancer-predisposing syndrome. Last evaluated: 2023-05-26. Review status: criteria provided, single submitter. Criteria: ACMG Guidelines, 2015. Collection method: clinical testing. Allele origin: germline. Not counted in ClinVar's aggregate classification.
Comment: This variant changes 1 nucleotide in exon 10 of the BRCA1 gene, creating a premature translation stop signal. This variant is expected to result in an absent or non-functional protein product. This variant has been reported in several individuals affected with breast and/or ovarian cancer (PMID: 10686936, 20960228, 25777348, 30287823) and has been identified in two families among the CIMBA participants (PMID: 29446198). This variant has not been identified in the general population by the Genome Aggregation Database (gnomAD). Loss of BRCA1 function is a known mechanism of disease. Based on the available evidence, this variant is classified as Pathogenic.

GeneKor MSA
Classification: Pathogenic. Last evaluated: 2020-01-01. Review status: criteria provided, single submitter. Criteria: ACMG Guidelines, 2015. Collection method: clinical testing. Allele origin: germline. Not counted in ClinVar's aggregate classification.
Comment: This variant is a single amino acid change from Glutamic Acid to a Termination codon at amino acid residue 720 of the BRCA1 gene. It is expected to result in a truncated, non-functional protein. Truncating variants in the BRCA1 gene are known to be pathogenic. The mutation database ClinVar contains entries for this variant (Variation ID: 37453).

Quest Diagnostics Nichols Institute San Juan Capistrano
Classification: Pathogenic. Last evaluated: 2017-09-23. Review status: criteria provided, single submitter. Criteria: Quest Diagnostics criteria. Collection method: clinical testing. Allele origin: germline. Not counted in ClinVar's aggregate classification.

Consortium of Investigators of Modifiers of BRCA1/2 (CIMBA), c/o University of Cambridge
Classification: Pathogenic for Breast-ovarian cancer, familial, susceptibility to, 1. Last evaluated: 2015-10-02. Review status: criteria provided, single submitter. Criteria: CIMBA Mutation Classification guidelines May 2016. Collection method: clinical testing. Allele origin: germline. Not counted in ClinVar's aggregate classification.

Sharing Clinical Reports Project (SCRP)
Classification: Pathogenic for Breast-ovarian cancer, familial 1. Last evaluated: 2010-07-01. Review status: no assertion criteria provided. Collection method: clinical testing. Allele origin: germline. Not counted in ClinVar's aggregate classification.

Breast Cancer Information Core (BIC) (BRCA1)
Classification: Pathogenic for Breast-ovarian cancer, familial 1. Last evaluated: 1998-04-15. Review status: no assertion criteria provided. Collection method: clinical testing. Allele origin: germline. Affected: yes. Observed: 2 variant alleles. Not counted in ClinVar's aggregate classification.

Literature cited by the submitters: PubMed 20104584 (cited by Labcorp Genetics (formerly Invitae), Labcorp); PubMed 10686936 (cited by 3 submitters); PubMed 25777348 (cited by 3 submitters); PubMed 26187060 (cited by Labcorp Genetics (formerly Invitae), Labcorp); PubMed 29446198 (cited by Labcorp Genetics (formerly Invitae), Labcorp and Color Diagnostics, LLC DBA Color Health); PubMed 20960228 (cited by Ambry Genetics and Color Diagnostics, LLC DBA Color Health); PubMed 30287823 (cited by Color Diagnostics, LLC DBA Color Health).

NM_007294.4(BRCA1):c.2158G>T (p.Glu720Ter)

Gene: BRCA1 (BRCA1 DNA repair associated; minus strand). Cytogenetic location: 17q21.31.
Variant type: single nucleotide variant.
Coding change: c.2158G>T on transcript NM_007294.4 (MANE Select); coding-DNA position 2158, G replaced by T.
Protein change: p.Glu720Ter; replaces glutamic acid 720 with a stop codon.
Molecular consequence: nonsense. On other transcripts: intron variant (137).
Genome position (GRCh38, 1-based): chr17:43,093,373, C>A on the plus strand (G>T on the coding strand, the complement: BRCA1 is on the minus strand). VCF-style: chr17-43093373-C-A. GRCh37 (hg19) VCF-style: chr17-41245390-C-A.
Other names: 2277G>T; c.1945G>T, p.Glu649Ter (NM_001407571.1, NM_001407853.1, NM_001407894.1 and 9 more transcripts); c.2158G>T, p.Glu720Ter (NM_001407581.1, NM_001407582.1, NM_001407583.1 and 30 more transcripts); c.2155G>T, p.Glu719Ter (NM_001407587.1, NM_001407590.1, NM_001407591.1 and 22 more transcripts); c.2149G>T, p.Glu717Ter (NM_001407646.1, NM_001407647.1); c.2035G>T, p.Glu679Ter (NM_001407648.1, NM_001407664.1, NM_001407665.1 and 19 more transcripts); c.2032G>T, p.Glu678Ter (NM_001407649.1, NM_001407670.1, NM_001407671.1 and 11 more transcripts); c.2080G>T, p.Glu694Ter (NM_001407653.1, NM_001407654.1, NM_001407655.1 and 4 more transcripts); and 42 more; short protein forms E720*, E673*, E631*, E649*, E678*, E679*, E719*, E592*.
Identifiers: ClinVar variation 37453 (VCV000037453.23), dbSNP rs80356875, ClinGen allele CA001445.